The following is an entry in ClinVar:

NM_018100.4(EFHC1):c.43A>G (p.Thr15Ala)

Gene: EFHC1 (EF-hand domain containing 1; plus strand). Cytogenetic location: 6p12.2.
Variant type: single nucleotide variant.
Coding change: c.43A>G on transcript NM_018100.4 (MANE Select); coding-DNA position 43, A replaced by G.
Protein change: p.Thr15Ala; replaces threonine 15 with alanine.
Molecular consequence: missense variant. On other transcripts: non-coding transcript variant (1).
Genome position (GRCh38, 1-based): chr6:52,420,453, A>G. VCF-style: chr6-52420453-A-G. GRCh37 (hg19) VCF-style: chr6-52285251-A-G.
Other names: p.T15A:ACG>GCG; short protein forms T15A.
Identifiers: ClinVar variation 205380 (VCV000205380.6), dbSNP rs750899949, ClinGen allele CA314398.

ClinVar aggregate classification (germline): Conflicting classifications of pathogenicity. Review status: criteria provided, conflicting classifications (1 of 4 stars). 2 submissions from 2 submitters: Uncertain significance (1); Likely benign (1). Last evaluated 2024-01-03.

Allele frequency attached by ClinVar (database versions not stated): gnomAD exomes 0.00001 and 0.00002; TOPMed 0.00001; ExAC 0.00002.
gnomAD v4.1: 15 of 1,614,226 alleles (0.00093%); highest among the groups gnomAD compares: East Asian, 0.031%; no homozygotes.

Submissions (2):

Ambry Genetics
Classification: Uncertain significance. Last evaluated: 2024-01-03. Review status: criteria provided, single submitter. Criteria: Ambry Variant Classification Scheme 2023. Collection method: clinical testing. Allele origin: germline.

GeneDx
Classification: Likely benign. Last evaluated: 2013-05-02. Review status: criteria provided, single submitter. Criteria: GeneDx Variant Classification (06012015). Collection method: clinical testing. Allele origin: germline. Affected: yes.
Comment: This variant is considered likely benign or benign based on one or more of the following criteria: it is a conservative change, it occurs at a poorly conserved position in the protein, it is predicted to be benign by multiple in silico algorithms, and/or has population frequency not consistent with disease.